The following is an entry in ClinVar:

ClinVar aggregate classification (germline): Conflicting classifications of pathogenicity. Review status: criteria provided, conflicting classifications (1 of 4 stars). 3 submissions from 3 submitters: Uncertain significance (1); Benign (1). 1 of the submissions does not count toward it. Last evaluated 2025-12-20.

Conditions:
Cleft lip/palate-ectodermal dysplasia syndrome (CLPED1). Also called: Zlotogora syndrome; ECTODERMAL DYSPLASIA, CLEFT LIP AND PALATE, MENTAL RETARDATION, AND SYNDACTYLY; ECTODERMAL DYSPLASIA, MARGARITA ISLAND TYPE; ECTODERMAL DYSPLASIA, TYPE 4; ZLOTOGORA-OGUR SYNDROME. Identifiers: Orphanet 3253, MedGen C2931488, MONDO:0009151, OMIM 225060.
NECTIN1-related disorder. Also called: NECTIN1-related condition.

Allele frequency attached by ClinVar (database versions not stated): gnomAD exomes 0.00220 and 0.00306; ExAC 0.00330; 1000 Genomes Project 0.00619; 1000 Genomes Project 30x 0.00656; gnomAD 0.00730 and 0.00772; TOPMed 0.00782; ESP Exome Variant Server 0.00878.
gnomAD v4.1: 4,391 of 1,614,172 alleles (0.27%); highest among the groups gnomAD compares: African/African-American, 2.1%; 23 homozygotes.

Submissions (3):

Labcorp Genetics (formerly Invitae), Labcorp
Classification: Benign. Last evaluated: 2025-12-20. Review status: criteria provided, single submitter. Criteria: Invitae Variant Classification Sherloc (09022015). Collection method: clinical testing. Allele origin: germline.

Illumina Laboratory Services, Illumina
Classification: Uncertain significance for Cleft lip/palate-ectodermal dysplasia syndrome. Last evaluated: 2018-01-13. Review status: criteria provided, single submitter. Criteria: ICSL Variant Classification Criteria 13 December 2019. Collection method: clinical testing. Allele origin: germline.

PreventionGenetics, part of Exact Sciences
Classification: Benign for NECTIN1-related condition. Last evaluated: 2019-10-22. Review status: no assertion criteria provided. Collection method: clinical testing. Allele origin: germline. Not counted in ClinVar's aggregate classification.
Comment: This variant is classified as benign based on ACMG/AMP sequence variant interpretation guidelines (Richards et al. 2015 PMID: 25741868, with internal and published modifications).

NM_002855.5(NECTIN1):c.264C>T (p.Ser88=)

Gene: NECTIN1 (nectin cell adhesion molecule 1; minus strand). Cytogenetic location: 11q23.3.
Variant type: single nucleotide variant.
Coding change: c.264C>T on transcript NM_002855.5 (MANE Select); coding-DNA position 264, C replaced by T.
Protein change: p.Ser88=; no amino-acid change (serine 88 retained).
Molecular consequence: synonymous variant.
Genome position (GRCh38, 1-based): chr11:119,678,581, G>A on the plus strand (C>T on the coding strand, the complement: NECTIN1 is on the minus strand). VCF-style: chr11-119678581-G-A. GRCh37 (hg19) VCF-style: chr11-119549291-G-A.
Other names: c.264C>T, p.Ser88= (NM_203285.2, NM_203286.2).
Identifiers: ClinVar variation 716975 (VCV000716975.16), dbSNP rs7131391, ClinGen allele CA6322140.
Genomic context (GRCh38, chr11:119,678,581, plus strand): 5'-AGTGCCATCGGTGAAGGAGGGCCGCAGGAATTCCACACGCTCGCGGTAGGGAGCCAGCAC[G>A]GACACGCCCATGGATGGGTTGTAGATGGCCACGTTCTGCTTGGAGCCATTGGTGGACTTC-3'
Protein context (NP_002846.3, residues 78-98): VAIYNPSMGV[Ser88=]VLAPYRERVE